The following is an entry in ClinVar:

NM_005548.3(KARS1):c.225A>G (p.Gln75=)

Gene: KARS1 (lysyl-tRNA synthetase 1; minus strand). Cytogenetic location: 16q23.1.
Variant type: single nucleotide variant.
Coding change: c.225A>G on transcript NM_005548.3 (MANE Select); coding-DNA position 225, A replaced by G.
Protein change: p.Gln75=; no amino-acid change (glutamine 75 retained).
Molecular consequence: synonymous variant. On other transcripts: 5 prime UTR variant (1).
Genome position (GRCh38, 1-based): chr16:75,640,347, T>C on the plus strand (A>G on the coding strand, the complement: KARS1 is on the minus strand). VCF-style: chr16-75640347-T-C. GRCh37 (hg19) VCF-style: chr16-75674245-T-C.
Other names: c.309A>G, p.Gln103= (NM_001130089.2); c.-244A>G (NM_001378148.1).
Identifiers: ClinVar variation 1682450 (VCV001682450.8), dbSNP rs762620410, ClinGen allele CA8177690.

ClinVar aggregate classification (germline): Uncertain significance (1 of 4 stars; one submission).

Allele frequency attached by ClinVar (database versions not stated): gnomAD 0.00001; ExAC 0.00002; gnomAD exomes 0.00002 and 0.00004.
gnomAD v4.1: 60 of 1,607,410 alleles (0.0037%); highest among the groups gnomAD compares: Middle Eastern, 0.034%; no homozygotes.

Submission:

Labcorp Genetics (formerly Invitae), Labcorp
Classification: Uncertain significance. Last evaluated: 2023-10-13. Review status: criteria provided, single submitter. Criteria: Invitae Variant Classification Sherloc (09022015). Collection method: clinical testing. Allele origin: germline.
Comment: This sequence change affects codon 103 of the KARS mRNA. It is a 'silent' change, meaning that it does not change the encoded amino acid sequence of the KARS protein. The frequency data for this variant in the population databases is considered unreliable, as metrics indicate poor data quality at this position in the gnomAD database. This variant has not been reported in the literature in individuals affected with KARS-related conditions. ClinVar contains an entry for this variant (Variation ID: 1682450). Algorithms developed to predict the effect of sequence changes on RNA splicing suggest that this variant may create or strengthen a splice site. In summary, the available evidence is currently insufficient to determine the role of this variant in disease. Therefore, it has been classified as a Variant of Uncertain Significance.